The following is an entry in ClinVar:

ClinVar aggregate classification (germline): Pathogenic. Review status: criteria provided, multiple submitters, no conflicts (2 of 4 stars). 10 submissions from 10 submitters: Pathogenic (10). Last evaluated 2025-07-01.

Conditions:
NF1-related disorder. Also called: NF1-related condition. Identifiers: MedGen CN379171.
Neurofibromatosis, type 1 (NF1). Also called: Peripheral type neurofibromatosis; NEUROFIBROMATOSIS, TYPE I, SOMATIC; Neurofibromatosis, type I; VON RECKLINGHAUSEN DISEASE. Identifiers: Orphanet 636, MedGen C0027831, MONDO:0018975, OMIM 162200. Disease mechanism: loss of function.
Hereditary cancer-predisposing syndrome. Also called: Hereditary neoplastic syndrome; Neoplastic Syndromes, Hereditary; Hereditary Cancer Syndrome; Tumor predisposition. Identifiers: Orphanet 140162, MedGen C0027672, MeSH D009386, MONDO:0015356.
Cardiovascular phenotype. Identifiers: MedGen CN230736.

Allele frequency attached by ClinVar (database versions not stated): gnomAD 0.00001; TOPMed 0.00001.
gnomAD v4.1: 1 of 1,613,362 alleles (0.000062%); highest among the groups gnomAD compares: African/African-American, 0.0013%; no homozygotes.

Submissions (10):

CeGaT Center for Human Genetics Tuebingen
Classification: Pathogenic. Last evaluated: 2025-07-01. Review status: criteria provided, single submitter. Criteria: CeGaT Center For Human Genetics Tuebingen Variant Classification Criteria Version 2. Collection method: clinical testing. Allele origin: germline. Affected: yes. Observed: 2 variant alleles.
Comment: NF1: PVS1, PM2, PS4:Moderate

Labcorp Genetics (formerly Invitae), Labcorp
Classification: Pathogenic for Neurofibromatosis, type 1. Last evaluated: 2025-06-11. Review status: criteria provided, single submitter. Criteria: Invitae Variant Classification Sherloc (09022015). Collection method: clinical testing. Allele origin: germline.
Comment: This sequence change creates a premature translational stop signal (p.Gln543*) in the NF1 gene. It is expected to result in an absent or disrupted protein product. Loss-of-function variants in NF1 are known to be pathogenic (PMID: 10712197, 23913538). This variant is not present in population databases (gnomAD no frequency). This premature translational stop signal has been observed in individual(s) with neurofibromatosis type I (PMID: 11857752, 31776437). Invitae Evidence Modeling of clinical and family history, age, sex, and reported ancestry of multiple individuals with this NF1 variant has been performed. This variant is expected to be pathogenic with a positive predictive value of at least 99%. This is a validated machine learning model that incorporates the clinical features of 1,785,918 individuals referred to our laboratory for NF1 testing. ClinVar contains an entry for this variant (Variation ID: 485943). For these reasons, this variant has been classified as Pathogenic.

Ambry Genetics
Classification: Pathogenic for Cardiovascular phenotype; Hereditary cancer-predisposing syndrome. Last evaluated: 2025-03-11. Review status: criteria provided, single submitter. Criteria: Ambry Variant Classification Scheme 2023. Collection method: clinical testing. Allele origin: germline.
Comment: The p.Q543* pathogenic mutation (also known as c.1627C>T), located in coding exon 14 of the NF1 gene, results from a C to T substitution at nucleotide position 1627. This changes the amino acid from a glutamine to a stop codon within coding exon 14. In addition to the clinical data presented in the literature, this alteration is expected to result in loss of function by premature protein truncation or nonsense-mediated mRNA decay. As such, this alteration is interpreted as a disease-causing mutation.

NHS Central & South Genomic Laboratory Hub
Classification: Pathogenic for Neurofibromatosis type 1. Last evaluated: 2024-11-11. Review status: criteria provided, single submitter. Criteria: ACMG Guidelines, 2015. Collection method: clinical testing. Allele origin: germline. Affected: yes.

GeneDx
Classification: Pathogenic. Last evaluated: 2024-03-14. Review status: criteria provided, single submitter. Criteria: GeneDx Variant Classification Process June 2021. Collection method: clinical testing. Allele origin: germline. Affected: yes.
Comment: Nonsense variant predicted to result in protein truncation or nonsense mediated decay in a gene for which loss of function is a known mechanism of disease; Not observed at significant frequency in large population cohorts (gnomAD); This variant is associated with the following publications: (PMID: 25525159, 31776437, 26056819, 11857752)

Blueprint Genetics
Classification: Pathogenic for NF1-related disorders. Last evaluated: 2023-10-04. Review status: criteria provided, single submitter. Criteria: ACMG Guidelines, 2015. Collection method: clinical testing. Allele origin: germline. Affected: yes. Observed: 1 variant allele.

Institute of Human Genetics, University of Leipzig Medical Center
Classification: Pathogenic for Neurofibromatosis, type 1. Last evaluated: 2022-05-13. Review status: criteria provided, single submitter. Criteria: ACMG Guidelines, 2015. Collection method: clinical testing. Allele origin: unknown. Affected: yes.
Comment: _x000D_ Criteria applied: PVS1, PS4, PM2_SUP

Genome-Nilou Lab
Classification: Pathogenic for Neurofibromatosis, type 1. Last evaluated: 2022-03-15. Review status: criteria provided, single submitter. Criteria: ACMG Guidelines, 2015. Collection method: clinical testing. Allele origin: germline. Affected: no.

Juno Genomics, Hangzhou Juno Genomics, Inc
Classification: Pathogenic for Neurofibromatosis, type 1. Review status: criteria provided, single submitter. Criteria: ACMG Guidelines, 2015. Collection method: clinical testing. Allele origin: germline. Affected: yes.
Comment: Absent from controls (or at extremely low frequency if recessive) in Genome Aggregation Database, Exome Sequencing Project, 1000 Genomes Project, or Exome Aggregation Consortium.;Null variant in a gene where loss of function (LOF) is a known mechanism of disease.;The prevalence of the variant in affected individuals is significantly increased compared to the prevalence in controls.;Assumed de novo, but without confirmation of paternity and maternity.;Patient's phenotype or family history is highly specific for a disease with a single genetic etiology.

Neuberg Centre For Genomic Medicine, NCGM
Classification: Pathogenic for Neurofibromatosis, type 1. Review status: criteria provided, single submitter. Criteria: ACMG Guidelines, 2015. Collection method: clinical testing. Allele origin: germline. Inheritance: Autosomal dominant inheritance. Affected: yes.
Comment: The observed stop gained variant in gene has been reported previously in heterozygous state in individual(s) affected with Neurofibromatosis type 1 (NF1) (Kang et al., 2020). This variant is absent in gnomAD Exomes. This variant has been reported to the ClinVar database as Pathogenic (multiple submitters). This variant is predicted to cause loss of normal protein function either through protein truncation or nonsense-mediated mRNA decay. It is expected to result in an absent or disrupted protein product. Loss-of-function variants in NF1 are known to be pathogenic (Sabbagh et al., 2013). Computational evidence (MutationTaster - Disease causing automatic) predicts damaging effect on protein structure and function for this variant. For these reasons, this variant has been classified as Pathogenic.

Literature cited by the submitters: PubMed 10712197 (cited by Labcorp Genetics (formerly Invitae), Labcorp); PubMed 23913538 (cited by Labcorp Genetics (formerly Invitae), Labcorp); PubMed 11857752 (cited by Labcorp Genetics (formerly Invitae), Labcorp and Ambry Genetics); PubMed 31776437 (cited by Labcorp Genetics (formerly Invitae), Labcorp).

NM_001042492.3(NF1):c.1627C>T (p.Gln543Ter)

Gene: NF1 (neurofibromin 1; plus strand). Cytogenetic location: 17q11.2.
Variant type: single nucleotide variant.
Coding change: c.1627C>T on transcript NM_001042492.3 (MANE Select); coding-DNA position 1627, C replaced by T.
Protein change: p.Gln543Ter; replaces glutamine 543 with a stop codon.
Molecular consequence: nonsense.
Genome position (GRCh38, 1-based): chr17:31,219,104, C>T. VCF-style: chr17-31219104-C-T. GRCh37 (hg19) VCF-style: chr17-29546122-C-T.
Other names: c.1627C>T, p.Gln543Ter (NM_000267.4, NM_001128147.3); short protein forms Q543*.
Identifiers: ClinVar variation 485943 (VCV000485943.33), dbSNP rs894292181, ClinGen allele CA289359163.